The following is an entry in ClinVar:

ClinVar aggregate classification (germline): Uncertain significance (1 of 4 stars; one submission).

Conditions:
Primary ciliary dyskinesia. Also called: Ciliary dyskinesia. Identifiers: Orphanet 244, MedGen C0008780, MONDO:0016575, HP:0012265.

gnomAD v4.1: 1 of 1,614,142 alleles (0.000062%); highest among the groups gnomAD compares: South Asian, 0.0011%; no homozygotes.

Submission:

Ambry Genetics
Classification: Uncertain significance for Primary ciliary dyskinesia. Last evaluated: 2025-08-19. Review status: criteria provided, single submitter. Criteria: Ambry Variant Classification Scheme 2023. Collection method: clinical testing. Allele origin: germline.
Comment: The p.N622S variant (also known as c.1865A>G), located in coding exon 19 of the DNAI1 gene, results from an A to G substitution at nucleotide position 1865. The asparagine at codon 622 is replaced by serine, an amino acid with highly similar properties. This amino acid position is conserved. In addition, this alteration is predicted to be tolerated by in silico analysis. Based on the available evidence, the clinical significance of this variant remains unclear.

NM_012144.4(DNAI1):c.1865A>G (p.Asn622Ser)

Gene: DNAI1 (dynein axonemal intermediate chain 1; plus strand). Cytogenetic location: 9p13.3.
Variant type: single nucleotide variant.
Coding change: c.1865A>G on transcript NM_012144.4 (MANE Select); coding-DNA position 1865, A replaced by G.
Protein change: p.Asn622Ser; replaces asparagine 622 with serine.
Molecular consequence: missense variant.
Genome position (GRCh38, 1-based): chr9:34,517,331, A>G. VCF-style: chr9-34517331-A-G. GRCh37 (hg19) VCF-style: chr9-34517329-A-G.
Other names: c.1877A>G, p.Asn626Ser (NM_001281428.2); short protein forms N622S, N626S.
Identifiers: ClinVar variation 4242928 (VCV004242928.1).